The following is an entry in ClinVar:

NM_000142.5(FGFR3):c.1578G>A (p.Met526Ile)

Gene: FGFR3 (fibroblast growth factor receptor 3; plus strand). Cytogenetic location: 4p16.3.
Variant type: single nucleotide variant.
Coding change: c.1578G>A on transcript NM_000142.5 (MANE Select); coding-DNA position 1578, G replaced by A.
Protein change: p.Met526Ile; replaces methionine 526 with isoleucine.
Molecular consequence: missense variant. On other transcripts: non-coding transcript variant (1).
Genome position (GRCh38, 1-based): chr4:1,805,602, G>A. VCF-style: chr4-1805602-G-A. GRCh37 (hg19) VCF-style: chr4-1807329-G-A.
Other names: c.1584G>A, p.Met528Ile (NM_001163213.2); c.1581G>A, p.Met527Ile (NM_001354809.2, NM_001354810.2); c.1242G>A, p.Met414Ile (NM_022965.4); short protein forms M528I, M527I, M414I, M526I.
Identifiers: ClinVar variation 2175405 (VCV002175405.29), dbSNP rs751213196, ClinGen allele CA2810478.

ClinVar aggregate classification (germline): Uncertain significance. Review status: criteria provided, multiple submitters, no conflicts (2 of 4 stars). 3 submissions from 3 submitters: Uncertain significance (3). Last evaluated 2025-09-10.

Conditions:
Achondroplasia (ACH). Also called: Achondroplastic dwarfism. Identifiers: Orphanet 15, MedGen C0001080, MONDO:0007037, OMIM 100800. Disease mechanism: gain of function.

Allele frequency attached by ClinVar (database versions not stated): ExAC 0.00001.
gnomAD v4.1: 16 of 1,613,218 alleles (0.00099%); highest among the groups gnomAD compares: South Asian, 0.0099%; no homozygotes.

Submissions (3):

Genomic Medicine Center of Excellence, King Faisal Specialist Hospital and Research Centre
Classification: Uncertain significance for Achondroplasia. Last evaluated: 2025-09-10. Review status: criteria provided, single submitter. Criteria: ACMG Guidelines, 2015. Collection method: clinical testing. Allele origin: germline.

CeGaT Center for Human Genetics Tuebingen
Classification: Uncertain significance. Last evaluated: 2023-01-01. Review status: criteria provided, single submitter. Criteria: CeGaT Center For Human Genetics Tuebingen Variant Classification Criteria Version 2. Collection method: clinical testing. Allele origin: germline. Affected: yes. Observed: 1 variant allele.
Comment: FGFR3: PP3

Labcorp Genetics (formerly Invitae), Labcorp
Classification: Uncertain significance. Last evaluated: 2022-10-10. Review status: criteria provided, single submitter. Criteria: Invitae Variant Classification Sherloc (09022015). Collection method: clinical testing. Allele origin: germline.
Comment: In summary, the available evidence is currently insufficient to determine the role of this variant in disease. Therefore, it has been classified as a Variant of Uncertain Significance. Advanced modeling of protein sequence and biophysical properties (such as structural, functional, and spatial information, amino acid conservation, physicochemical variation, residue mobility, and thermodynamic stability) has been performed at Invitae for this missense variant, however the output from this modeling did not meet the statistical confidence thresholds required to predict the impact of this variant on FGFR3 protein function. This variant has not been reported in the literature in individuals affected with FGFR3-related conditions. This variant is present in population databases (rs751213196, gnomAD 0.01%). This sequence change replaces methionine, which is neutral and non-polar, with isoleucine, which is neutral and non-polar, at codon 526 of the FGFR3 protein (p.Met526Ile).